The following is an entry in ClinVar:

NM_000432.4(MYL2):c.1A>G (p.Met1Val)

Genes: MYL2 (myosin light chain 2; minus strand), LOC114827850 (VISTA enhancer hs2149; plus strand). Cytogenetic location: 12q24.11.
Variant type: single nucleotide variant.
Coding change: c.1A>G on transcript NM_000432.4 (MANE Select); coding-DNA position 1, A replaced by G.
Protein change: p.Met1Val; changes the start codon (methionine 1).
Molecular consequence: missense variant, initiator codon variant.
Genome position (GRCh38, 1-based): chr12:110,920,529, T>C on the plus strand (A>G on the coding strand, the complement: MYL2 is on the minus strand). VCF-style: chr12-110920529-T-C. GRCh37 (hg19) VCF-style: chr12-111358333-T-C.
Other names: short protein forms M1V.
Identifiers: ClinVar variation 235038 (VCV000235038.5), dbSNP rs876661378, ClinGen allele CA10581165.

ClinVar aggregate classification (germline): Uncertain significance. Review status: criteria provided, multiple submitters, no conflicts (2 of 4 stars). 2 submissions from 2 submitters: Uncertain significance (2). Last evaluated 2024-06-24.

Conditions:
Cardiomyopathy (CMYO). Also called: Cardiomyopathies. Identifiers: Orphanet 167848, MedGen C0878544, MONDO:0004994, HP:0001638. Inheritance: Various modes of inheritance.

Allele frequency attached by ClinVar (database versions not stated): gnomAD exomes below 0.00001.

Submissions (2):

Color Diagnostics, LLC DBA Color Health
Classification: Uncertain significance for Cardiomyopathy. Last evaluated: 2024-06-24. Review status: criteria provided, single submitter. Criteria: ACMG Guidelines, 2015. Collection method: clinical testing. Allele origin: germline.
Comment: This variant results in the loss of the translation initiator methionine at codon 1 of the MYL2 gene. This variant is expected to disrupt translation initiation and result in an absent or truncated protein product. To our knowledge, functional studies have not been reported for this variant. This variant has been reported in an individual affected with hypertrophic cardiomyopathy (PMID: 30297972, 31199839). This variant has not been identified in the general population by the Genome Aggregation Database (gnomAD). Clinical relevance of loss-of-function MYL2 truncation variants in autosomal dominant cardiovascular disorders is not clearly established. The available evidence is insufficient to determine the role of this variant in disease conclusively. Therefore, this variant is classified as a Variant of Uncertain Significance.

Stanford Center for Inherited Cardiovascular Disease, Stanford University
Classification: Uncertain significance. Last evaluated: 2015-01-28. Review status: criteria provided, single submitter. Criteria: ACMG Guidelines, 2015. Collection method: provider interpretation. Allele origin: germline.

Literature cited by the submitters: PubMed 30297972 (cited by Color Diagnostics, LLC DBA Color Health); PubMed 31199839 (cited by Color Diagnostics, LLC DBA Color Health).